The following is an entry in ClinVar:

ClinVar aggregate classification (germline): Uncertain significance (1 of 4 stars; one submission).

Submission:

GeneDx
Classification: Uncertain significance. Last evaluated: 2022-11-15. Review status: criteria provided, single submitter. Criteria: GeneDx Variant Classification Process June 2021. Collection method: clinical testing. Allele origin: germline. Affected: yes.
Comment: Not observed at significant frequency in large population cohorts (gnomAD); In silico analysis supports that this missense variant has a deleterious effect on protein structure/function; Has not been previously published as pathogenic or benign to our knowledge

NM_017636.4(TRPM4):c.2902T>C (p.Tyr968His)

Gene: TRPM4 (transient receptor potential cation channel subfamily M member 4; plus strand). Cytogenetic location: 19q13.33.
Variant type: single nucleotide variant.
Coding change: c.2902T>C on transcript NM_017636.4 (MANE Select); coding-DNA position 2902, T replaced by C.
Protein change: p.Tyr968His; replaces tyrosine 968 with histidine.
Molecular consequence: missense variant.
Genome position (GRCh38, 1-based): chr19:49,200,734, T>C. VCF-style: chr19-49200734-T-C. GRCh37 (hg19) VCF-style: chr19-49703991-T-C.
Other names: c.2467T>C, p.Tyr823His (NM_001195227.2); c.2557T>C, p.Tyr853His (NM_001321281.2); c.1294T>C, p.Tyr432His (NM_001321282.2); c.2380T>C, p.Tyr794His (NM_001321283.2); c.1840T>C, p.Tyr614His (NM_001321285.2); short protein forms Y432H, Y614H, Y794H, Y823H, Y853H, Y968H.
Identifiers: ClinVar variation 2502685 (VCV002502685.1), dbSNP rs2514204337, ClinGen allele CA406812089.